The following is an entry in ClinVar:

NM_001038.6(SCNN1A):c.1685C>T (p.Ser562Leu)

Gene: SCNN1A (sodium channel epithelial 1 subunit alpha; minus strand). Cytogenetic location: 12p13.31.
Variant type: single nucleotide variant.
Coding change: c.1685C>T on transcript NM_001038.6 (MANE Select); coding-DNA position 1685, C replaced by T.
Protein change: p.Ser562Leu; replaces serine 562 with leucine.
Molecular consequence: missense variant.
Genome position (GRCh38, 1-based): chr12:6,348,198, G>A on the plus strand (C>T on the coding strand, the complement: SCNN1A is on the minus strand). VCF-style: chr12-6348198-G-A. GRCh37 (hg19) VCF-style: chr12-6457364-G-A.
Other names: c.1754C>T, p.Ser585Leu (NM_001159575.2); c.1862C>T, p.Ser621Leu (NM_001159576.2); c.1685C>T (NM_001038.5); short protein forms S562L, S585L, S621L.
Identifiers: ClinVar variation 9267 (VCV000009267.5), dbSNP rs137852635, ClinGen allele CA120272.

ClinVar aggregate classification (germline): Likely pathogenic. Review status: criteria provided, single submitter (1 of 4 stars). 2 submissions from 2 submitters: Likely pathogenic (1). 1 of the submissions does not count toward it. Last evaluated 2022-10-06.

Conditions:
Pseudohypoaldosteronism, type IB1, autosomal recessive. Also called: Pseudohypoaldosteronism, Type I, Autosomal Recessive; Autosomal recessive pseudohypoaldosteronism type 1; Pseudohypoaldosteronism, Type I, Recessive; PHA I, AUTOSOMAL RECESSIVE. Identifiers: Orphanet 171876, Orphanet 756, MedGen C5774176, MONDO:0009917, OMIM 264350.

Allele frequency attached by ClinVar (database versions not stated): gnomAD exomes below 0.00001 and 0.00001; ExAC 0.00001.
gnomAD v4.1: 6 of 1,614,118 alleles (0.00037%); highest among the groups gnomAD compares: Admixed American, 0.005%; no homozygotes.

Submissions (2):

GeneDx
Classification: Likely pathogenic. Last evaluated: 2022-10-06. Review status: criteria provided, single submitter. Criteria: GeneDx Variant Classification Process June 2021. Collection method: clinical testing. Allele origin: germline. Affected: yes.
Comment: Not observed at significant frequency in large population cohorts (gnomAD); In silico analysis supports that this missense variant has a deleterious effect on protein structure/function; This variant is associated with the following publications: (PMID: 31589614, 28286482, 26537344, 28484659, 15853823, 10586178)

OMIM
Classification: Pathogenic for PSEUDOHYPOALDOSTERONISM, TYPE IB1, AUTOSOMAL RECESSIVE. Last evaluated: 1999-12-01. Review status: no assertion criteria provided. Collection method: literature only. Allele origin: germline. Not counted in ClinVar's aggregate classification.

Literature cited by the submitters: Schaedel, C., Marthinsen, L., Kristoffersson, A.-C., Kornfalt, R., Nilsson, K. O., Orlenius, B., Holmberg, L. Lung symptoms in pseudohypoaldosteronism type 1 are associated with deficiency of the alpha-subunit of the epithelial sodium channel. J. Pediat. 135: 739-745, 1999. (cited by OMIM).